The following is an entry in ClinVar:

NM_000051.4(ATM):c.1316T>C (p.Leu439Pro)

Gene: ATM (ATM serine/threonine kinase; plus strand). Cytogenetic location: 11q22.3.
Variant type: single nucleotide variant.
Coding change: c.1316T>C on transcript NM_000051.4 (MANE Select); coding-DNA position 1316, T replaced by C.
Protein change: p.Leu439Pro; replaces leucine 439 with proline.
Molecular consequence: missense variant.
Genome position (GRCh38, 1-based): chr11:108,250,781, T>C. VCF-style: chr11-108250781-T-C. GRCh37 (hg19) VCF-style: chr11-108121508-T-C.
Other names: c.1316T>C, p.Leu439Pro (NM_001351834.2); short protein forms L439P.
Identifiers: ClinVar variation 1406998 (VCV001406998.6), dbSNP rs2080095349, ClinGen allele CA382533656.

ClinVar aggregate classification (germline): Uncertain significance (1 of 4 stars; one submission).

Conditions:
Ataxia-telangiectasia syndrome (AT). Also called: Ataxia-telangiectasia, complementation group D; AT, COMPLEMENTATION GROUP C; Ataxia-telangiectasia; Ataxia telangiectasia (A-T); Ataxia-telangiectasia, complementation group E; Cerebello-oculocutaneous telangiectasia. Identifiers: Orphanet 100, MedGen C0004135, MONDO:0008840, OMIM 208900.

Submission:

Labcorp Genetics (formerly Invitae), Labcorp
Classification: Uncertain significance for Ataxia-telangiectasia syndrome. Last evaluated: 2022-09-14. Review status: criteria provided, single submitter. Criteria: Invitae Variant Classification Sherloc (09022015). Collection method: clinical testing. Allele origin: germline.
Comment: This sequence change replaces leucine, which is neutral and non-polar, with proline, which is neutral and non-polar, at codon 439 of the ATM protein (p.Leu439Pro). This variant is not present in population databases (gnomAD no frequency). This missense change has been observed in individual(s) with clinical features of ataxia-telangiectasia (PMID: 22354567). ClinVar contains an entry for this variant (Variation ID: 1406998). Algorithms developed to predict the effect of missense changes on protein structure and function (SIFT, PolyPhen-2, Align-GVGD) all suggest that this variant is likely to be disruptive. In summary, the available evidence is currently insufficient to determine the role of this variant in disease. Therefore, it has been classified as a Variant of Uncertain Significance.

Literature cited by the submitters: PubMed 22354567.